The following is an entry in ClinVar:

ClinVar aggregate classification (germline): Uncertain significance (1 of 4 stars; one submission).

Conditions:
Hereditary cancer-predisposing syndrome. Also called: Neoplastic Syndromes, Hereditary; Tumor predisposition; Hereditary neoplastic syndrome; Hereditary Cancer Syndrome. Identifiers: Orphanet 140162, MedGen C0027672, MeSH D009386, MONDO:0015356.

Submission:

Ambry Genetics
Classification: Uncertain significance for Hereditary cancer-predisposing syndrome. Last evaluated: 2025-04-12. Review status: criteria provided, single submitter. Criteria: Ambry Variant Classification Scheme 2023. Collection method: clinical testing. Allele origin: germline.
Comment: The p.Q1188L variant (also known as c.3563A>T), located in coding exon 23 of the ALK gene, results from an A to T substitution at nucleotide position 3563. The glutamine at codon 1188 is replaced by leucine, an amino acid with dissimilar properties. This amino acid position is conserved. In addition, the in silico prediction for this alteration is inconclusive. Based on the available evidence, the clinical significance of this variant remains unclear.

NM_004304.5(ALK):c.3563A>T (p.Gln1188Leu)

Gene: ALK (ALK receptor tyrosine kinase; minus strand). Cytogenetic location: 2p23.2.
Variant type: single nucleotide variant.
Coding change: c.3563A>T on transcript NM_004304.5 (MANE Select); coding-DNA position 3563, A replaced by T.
Protein change: p.Gln1188Leu; replaces glutamine 1188 with leucine.
Molecular consequence: missense variant.
Genome position (GRCh38, 1-based): chr2:29,220,788, T>A on the plus strand (A>T on the coding strand, the complement: ALK is on the minus strand). VCF-style: chr2-29220788-T-A. GRCh37 (hg19) VCF-style: chr2-29443654-T-A.
Other names: c.359A>T, p.Gln120Leu (NM_001353765.2); short protein forms Q1188L, Q120L.
Identifiers: ClinVar variation 4040619 (VCV004040619.1).